The following is an entry in ClinVar:

ClinVar aggregate classification (germline): Conflicting classifications of pathogenicity. Review status: criteria provided, conflicting classifications (1 of 4 stars). 3 submissions from 2 submitters: Uncertain significance (1); Benign (1); Likely benign (1). Last evaluated 2021-05-12.

Conditions:
Dilated cardiomyopathy 1X (CMD1X). Also called: FKTN-Related Dilated Cardiomyopathy; CARDIOMYOPATHY, DILATED, WITH MILD OR NO PROXIMAL MUSCLE WEAKNESS. Identifiers: Orphanet 154, MedGen C1969024, MONDO:0012704, OMIM 611615.
Muscular dystrophy-dystroglycanopathy (congenital with brain and eye anomalies), type A, 4 (MDDGA4). Also called: WALKER-WARBURG SYNDROME OR MUSCLE-EYE-BRAIN DISEASE, FKTN-RELATED; Walker-Warburg Syndrome, Fktn-Related; Congenital muscular dystrophy-dystroglycanopathy with brain and eye anomalies, type A4; Muscular dystrophy, congenital progressive, with mental retardation; Muscular dystrophy, congenital, with central nervous system involvement; Cerebromuscular dystrophy, Fukuyama type. Identifiers: Orphanet 272, Orphanet 588, Orphanet 899, MedGen C0410174, MONDO:0009678, OMIM 253800.

Allele frequency attached by ClinVar (database versions not stated): gnomAD 0.01142 and 0.01215; TOPMed 0.01305; 1000 Genomes Project 0.01438; 1000 Genomes Project 30x 0.01640.

Submissions (3):

GeneDx
Classification: Likely benign. Last evaluated: 2021-05-12. Review status: criteria provided, single submitter. Criteria: GeneDx Variant Classification Process June 2021. Collection method: clinical testing. Allele origin: germline. Affected: yes.

Illumina Laboratory Services, Illumina
Classification: Benign for Muscular dystrophy-dystroglycanopathy (congenital with brain and eye anomalies), type A, 4. Last evaluated: 2018-01-13. Review status: criteria provided, single submitter. Criteria: ICSL Variant Classification Criteria 13 December 2019. Collection method: clinical testing. Allele origin: germline.
Comment: This variant was observed in the ICSL laboratory as part of a predisposition screen in an ostensibly healthy population. It had not been previously curated by ICSL or reported in the Human Gene Mutation Database (HGMD: prior to June 1st, 2018), and was therefore a candidate for classification through an automated scoring system. Utilizing variant allele frequency, disease prevalence and penetrance estimates, and inheritance mode, an automated score was calculated to assess if this variant is too frequent to cause the disease. Based on the score and internal cut-off values, a variant classified as benign is not then subjected to further curation. The score for this variant resulted in a classification of benign for this disease.

Illumina Laboratory Services, Illumina
Classification: Uncertain significance for Dilated cardiomyopathy 1X. Last evaluated: 2018-01-13. Review status: criteria provided, single submitter. Criteria: ICSL Variant Classification Criteria 13 December 2019. Collection method: clinical testing. Allele origin: germline.

NM_001079802.2(FKTN):c.*5517T>C

Gene: FKTN (fukutin; plus strand). Cytogenetic location: 9q31.2.
Variant type: single nucleotide variant.
Coding change: c.*5517T>C on transcript NM_001079802.2 (MANE Select); 5517 bases downstream of the stop codon, T replaced by C.
Molecular consequence: 3 prime UTR variant. On other transcripts: non-coding transcript variant (2).
Genome position (GRCh38, 1-based): chr9:105,640,781, T>C. VCF-style: chr9-105640781-T-C. GRCh37 (hg19) VCF-style: chr9-108403062-T-C.
Other names: c.*658T>C (NM_001198963.2); c.*5517T>C (NM_001351496.2, NM_001351497.2, NM_001351499.2 and 4 more transcripts); c.*5695T>C (NM_001351498.2).
Identifiers: ClinVar variation 364530 (VCV000364530.6), dbSNP rs114655654, ClinGen allele CA10632018.
Genomic context (GRCh38, chr9:105,640,781, plus strand): 5'-AGAATATAAGGAAAATTAGAAGTACTGTATTTTTGCTATTGGAAATGAAATATTGTTTCA[T>C]GCACCTTTGAAAAAAATAACAGGATTTTACAGCCTTCTGATGATTCATTCAAAGCATGGG-3'